The following is an entry in ClinVar:

ClinVar aggregate classification (germline): Pathogenic (1 of 4 stars; one submission).

Conditions:
Cardiovascular phenotype. Identifiers: MedGen CN230736.

Submission:

Ambry Genetics
Classification: Pathogenic for Cardiovascular phenotype. Last evaluated: 2019-08-13. Review status: criteria provided, single submitter. Criteria: Ambry Variant Classification Scheme 2023. Collection method: clinical testing. Allele origin: germline.
Comment: The c.916delC pathogenic mutation, located in coding exon 7 of the ENG gene, results from a deletion of one nucleotide at nucleotide position 916, causing a translational frameshift with a predicted alternate stop codon (p.L306Sfs*53). This alteration is expected to result in loss of function by premature protein truncation or nonsense-mediated mRNA decay. As such, this alteration is interpreted as a disease-causing mutation.

NM_001114753.3(ENG):c.916del (p.Leu306fs)

Gene: ENG (endoglin; minus strand). Cytogenetic location: 9q34.11.
Variant type: Deletion.
Coding change: c.916del on transcript NM_001114753.3 (MANE Select); coding-DNA position 916, one base deleted (C; older notation c.916delC).
Protein change: p.Leu306fs; shifts the reading frame from leucine 306.
Molecular consequence: frameshift variant.
Genome position (GRCh38, 1-based): chr9:127,824,875, G deleted on the plus strand (C on the coding strand, the reverse complement: ENG is on the minus strand). VCF-style (leftmost placement, unchanged base first): chr9-127824874-AG-A. GRCh37 (hg19) VCF-style: chr9-130587153-AG-A.
Other names: c.916delC, p.Leu306Serfs (NM_000118.4, NM_001406715.1); c.370del, p.Leu124fs (NM_001278138.2); short protein forms L124fs, L306fs.
Identifiers: ClinVar variation 1766036 (VCV001766036.2), dbSNP rs2539072936, ClinGen allele CA2580079638.